The following is an entry in ClinVar:

ClinVar aggregate classification (germline): Uncertain significance (1 of 4 stars; one submission).

Conditions:
Developmental and epileptic encephalopathy, 2 (DEE2). Also called: INFANTILE SPASM SYNDROME, X-LINKED 2; CDKL5 deficiency disorder. Identifiers: Orphanet 1934, Orphanet 3451, Orphanet 505652, MedGen C4750718, MONDO:0010396, OMIM 300672.
Angelman syndrome-like. Identifiers: MedGen CN128785.

Submission:

Labcorp Genetics (formerly Invitae), Labcorp
Classification: Uncertain significance for Developmental and epileptic encephalopathy, 2; Angelman syndrome-like. Last evaluated: 2024-01-19. Review status: criteria provided, single submitter. Criteria: Invitae Variant Classification Sherloc (09022015). Collection method: clinical testing. Allele origin: germline.
Comment: This sequence change replaces threonine, which is neutral and polar, with alanine, which is neutral and non-polar, at codon 695 of the CDKL5 protein (p.Thr695Ala). This variant is not present in population databases (gnomAD no frequency). This variant has not been reported in the literature in individuals affected with CDKL5-related conditions. ClinVar contains an entry for this variant (Variation ID: 2054019). Advanced modeling of protein sequence and biophysical properties (such as structural, functional, and spatial information, amino acid conservation, physicochemical variation, residue mobility, and thermodynamic stability) performed at Invitae indicates that this missense variant is not expected to disrupt CDKL5 protein function with a negative predictive value of 95%. In summary, the available evidence is currently insufficient to determine the role of this variant in disease. Therefore, it has been classified as a Variant of Uncertain Significance.

NM_001323289.2(CDKL5):c.2083A>G (p.Thr695Ala)

Gene: CDKL5 (cyclin dependent kinase like 5; plus strand). Cytogenetic location: Xp22.13.
Variant type: single nucleotide variant.
Coding change: c.2083A>G on transcript NM_001323289.2 (MANE Select); coding-DNA position 2083, A replaced by G.
Protein change: p.Thr695Ala; replaces threonine 695 with alanine.
Molecular consequence: missense variant.
Genome position (GRCh38, 1-based): chrX:18,609,501, A>G. VCF-style: chrX-18609501-A-G. GRCh37 (hg19) VCF-style: chrX-18627621-A-G.
Other names: c.2083A>G, p.Thr695Ala (NM_001037343.2, NM_003159.3); short protein forms T695A.
Identifiers: ClinVar variation 2054019 (VCV002054019.4), dbSNP rs2518881178, ClinGen allele CA412366386.